The following is an entry in ClinVar:

Single allele

Genes: PRICKLE1 (prickle planar cell polarity protein 1; minus strand), LOC130007705 (ATAC-STARR-seq lymphoblastoid active region 6216; plus strand), LOC130007706 (ATAC-STARR-seq lymphoblastoid silent region 4365; plus strand), LOC130007707 (ATAC-STARR-seq lymphoblastoid silent region 4366; plus strand), LOC129390441 (MPRA-validated peak1687 silencer; plus strand) and 2 more. Cytogenetic location: 12q12.
Variant type: Deletion.
Identifiers: ClinVar variation 243056 (VCV000243056.1).

ClinVar aggregate classification (germline): Likely pathogenic (1 of 4 stars; one submission).

Conditions:
Epilepsy, progressive myoclonic, 1B. Also called: PME. Identifiers: Orphanet 308, MedGen C2676254, MONDO:0012904, OMIM 612437.

Submission:

Lupski Lab, Baylor-Hopkins CMG, Baylor College of Medicine
Classification: Likely pathogenic for Epilepsy, progressive myoclonic, 1B. Last evaluated: 2015-09-17. Review status: criteria provided, single submitter. Criteria: Pehlivan et al. (Genet Med. 2016). Collection method: research. Allele origin: de novo. Inheritance: Autosomal dominant inheritance. Affected: yes.
Comment: There are reports in the literature of heterozygous mutations in PRICKLE1 in patients with seizures (PMID: 21276947).

Literature cited by the submitters: PubMed 21276947.